The following is an entry in ClinVar:

ClinVar aggregate classification (germline): Conflicting classifications of pathogenicity. Review status: criteria provided, conflicting classifications (1 of 4 stars). 3 submissions from 3 submitters: Uncertain significance (2); Likely benign (1). Last evaluated 2026-02-16.

Conditions:
COL11A2-related disorder. Also called: COL11A2-related disorders; COL11A2-related condition.

Allele frequency attached by ClinVar (database versions not stated): gnomAD exomes 0.00001; TOPMed 0.00001; ExAC 0.00002; gnomAD 0.00002 and 0.00003.
gnomAD v4.1: 25 of 1,613,392 alleles (0.0015%); highest among the groups gnomAD compares: South Asian, 0.0077%; 1 homozygote.

Submissions (3):

PreventionGenetics, part of Exact Sciences
Classification: Uncertain significance for COL11A2-related condition. Last evaluated: 2026-02-16. Review status: criteria provided, single submitter. Criteria: ACMG Guidelines, 2015. Collection method: clinical testing. Allele origin: germline.
Comment: The COL11A2 c.4292G>A variant is predicted to result in the amino acid substitution p.Arg1431Gln. To our knowledge, this variant has not been reported in the literature. This variant is reported in 0.0066% of alleles in individuals of African descent in gnomAD. At this time, the clinical significance of this variant is uncertain due to the absence of conclusive functional and genetic evidence.

Labcorp Genetics (formerly Invitae), Labcorp
Classification: Likely benign. Last evaluated: 2025-11-16. Review status: criteria provided, single submitter. Criteria: Invitae Variant Classification Sherloc (09022015). Collection method: clinical testing. Allele origin: germline.

Blueprint Genetics
Classification: Uncertain significance. Last evaluated: 2022-06-24. Review status: criteria provided, single submitter. Criteria: ACMG Guidelines, 2015. Collection method: clinical testing. Allele origin: germline.

NM_080680.3(COL11A2):c.4292G>A (p.Arg1431Gln)

Gene: COL11A2 (collagen type XI alpha 2 chain; minus strand). Cytogenetic location: 6p21.32.
Variant type: single nucleotide variant.
Coding change: c.4292G>A on transcript NM_080680.3 (MANE Select); coding-DNA position 4292, G replaced by A.
Protein change: p.Arg1431Gln; replaces arginine 1431 with glutamine.
Molecular consequence: missense variant.
Genome position (GRCh38, 1-based): chr6:33,166,766, C>T on the plus strand (G>A on the coding strand, the complement: COL11A2 is on the minus strand). VCF-style: chr6-33166766-C-T. GRCh37 (hg19) VCF-style: chr6-33134543-C-T.
Other names: c.4292G>A (NM_080680.2); c.3971G>A, p.Arg1324Gln (NM_080679.3); c.4034G>A, p.Arg1345Gln (NM_080681.3); short protein forms R1324Q, R1345Q, R1431Q.
Identifiers: ClinVar variation 1014342 (VCV001014342.11), dbSNP rs761955347, ClinGen allele CA3750146.